The following is an entry in ClinVar:

ClinVar aggregate classification (germline): Uncertain significance (1 of 4 stars; one submission).

Conditions:
Hereditary cancer-predisposing syndrome. Also called: Neoplastic Syndromes, Hereditary; Tumor predisposition; Hereditary neoplastic syndrome; Hereditary Cancer Syndrome. Identifiers: Orphanet 140162, MedGen C0027672, MeSH D009386, MONDO:0015356.

Submission:

Ambry Genetics
Classification: Uncertain significance for Hereditary cancer-predisposing syndrome. Last evaluated: 2022-12-12. Review status: criteria provided, single submitter. Criteria: Ambry Variant Classification Scheme 2023. Collection method: clinical testing. Allele origin: germline.
Comment: The p.K275N variant (also known as c.825G>C), located in coding exon 10 of the BAP1 gene, results from a G to C substitution at nucleotide position 825. The lysine at codon 275 is replaced by asparagine, an amino acid with similar properties. This amino acid position is conserved. In addition, this alteration is predicted to be tolerated by in silico analysis. Since supporting evidence is limited at this time, the clinical significance of this alteration remains unclear.

NM_004656.4(BAP1):c.825G>C (p.Lys275Asn)

Gene: BAP1 (BRCA1 associated deubiquitinase 1; minus strand). Cytogenetic location: 3p21.1.
Variant type: single nucleotide variant.
Coding change: c.825G>C on transcript NM_004656.4 (MANE Select); coding-DNA position 825, G replaced by C.
Protein change: p.Lys275Asn; replaces lysine 275 with asparagine.
Molecular consequence: missense variant.
Genome position (GRCh38, 1-based): chr3:52,405,871, C>G on the plus strand (G>C on the coding strand, the complement: BAP1 is on the minus strand). VCF-style: chr3-52405871-C-G. GRCh37 (hg19) VCF-style: chr3-52439887-C-G.
Other names: c.771G>C, p.Lys257Asn (NM_001410772.1); short protein forms K257N, K275N.
Identifiers: ClinVar variation 2450429 (VCV002450429.2), dbSNP rs1578224470, ClinGen allele CA353106850.